The following is an entry in ClinVar:

ClinVar aggregate classification (germline): Uncertain significance (1 of 4 stars; one submission).

Conditions:
Inborn genetic diseases. Identifiers: MedGen C0950123, MeSH D030342.

Allele frequency attached by ClinVar (database versions not stated): gnomAD exomes below 0.00001; ExAC 0.00001.
gnomAD v4.1: 2 of 1,613,986 alleles (0.00012%); highest among the groups gnomAD compares: South Asian, 0.0011%; no homozygotes.

Submission:

Ambry Genetics
Classification: Uncertain significance for Inborn genetic diseases. Last evaluated: 2024-04-27. Review status: criteria provided, single submitter. Criteria: Ambry Variant Classification Scheme 2023. Collection method: clinical testing. Allele origin: germline.
Comment: The p.G360E variant (also known as c.1079G>A), located in coding exon 4 of the ATR gene, results from a G to A substitution at nucleotide position 1079. The glycine at codon 360 is replaced by glutamic acid, an amino acid with similar properties. This amino acid position is conserved. In addition, this alteration is predicted to be tolerated by in silico analysis. Since supporting evidence is limited at this time, the clinical significance of this alteration remains unclear.

NM_001184.4(ATR):c.1079G>A (p.Gly360Glu)

Gene: ATR (ATR checkpoint kinase; minus strand). Cytogenetic location: 3q23.
Variant type: single nucleotide variant.
Coding change: c.1079G>A on transcript NM_001184.4 (MANE Select); coding-DNA position 1079, G replaced by A.
Protein change: p.Gly360Glu; replaces glycine 360 with glutamic acid.
Molecular consequence: missense variant.
Genome position (GRCh38, 1-based): chr3:142,562,323, C>T on the plus strand (G>A on the coding strand, the complement: ATR is on the minus strand). VCF-style: chr3-142562323-C-T. GRCh37 (hg19) VCF-style: chr3-142281165-C-T.
Other names: c.1079G>A, p.Gly360Glu (NM_001354579.2); short protein forms G360E.
Identifiers: ClinVar variation 1785799 (VCV001785799.3), dbSNP rs751784387, ClinGen allele CA2650682.